The following is an entry in ClinVar:

NM_021930.6(RINT1):c.2187-2A>G

Genes: EFCAB10 (EF-hand calcium binding domain 10; minus strand), RINT1 (RAD50 interactor 1; plus strand). Cytogenetic location: 7q22.3.
Variant type: single nucleotide variant.
Coding change: c.2187-2A>G on transcript NM_021930.6 (MANE Select); the canonical splice acceptor site of the intron before coding-DNA position 2187, A replaced by G.
Molecular consequence: splice acceptor variant. On other transcripts: 3 prime UTR variant (2), intron variant (3).
Genome position (GRCh38, 1-based): chr7:105,567,117, A>G. VCF-style: chr7-105567117-A-G. GRCh37 (hg19) VCF-style: chr7-105207564-A-G.
Other names: c.*337T>C (NM_001355527.2, NM_001355529.2); c.1164-2A>G (NM_001346600.2, NM_001346603.2); c.1263-2A>G (NM_001346601.2); c.1953-2A>G (NM_001346599.2); c.360-1670T>C (NM_001355531.2); c.383+350T>C (NM_001355526.2, NM_001355530.2).
Identifiers: ClinVar variation 410781 (VCV000410781.9), dbSNP rs757017331, ClinGen allele CA4426910.

ClinVar aggregate classification (germline): Uncertain significance (1 of 4 stars; one submission).

Allele frequency attached by ClinVar (database versions not stated): gnomAD exomes below 0.00001 and 0.00001; TOPMed below 0.00001; ExAC 0.00001; gnomAD 0.00001.
gnomAD v4.1: 2 of 1,527,926 alleles (0.00013%); highest among the groups gnomAD compares: East Asian, 0.0047%; no homozygotes.

Submission:

Labcorp Genetics (formerly Invitae), Labcorp
Classification: Uncertain significance. Last evaluated: 2023-03-10. Review status: criteria provided, single submitter. Criteria: Invitae Variant Classification Sherloc (09022015). Collection method: clinical testing. Allele origin: germline.
Comment: This sequence change affects an acceptor splice site in intron 14 of the RINT1 gene. While this variant is not anticipated to result in nonsense mediated decay, it likely alters RNA splicing and results in a disrupted protein product. This variant is present in population databases (rs757017331, gnomAD 0.01%). This variant has not been reported in the literature in individuals affected with RINT1-related conditions. ClinVar contains an entry for this variant (Variation ID: 410781). Variants that disrupt the consensus splice site are a relatively common cause of aberrant splicing (PMID: 17576681, 9536098). Algorithms developed to predict the effect of sequence changes on RNA splicing suggest that this variant may disrupt the consensus splice site. In summary, the available evidence is currently insufficient to determine the role of this variant in disease. Therefore, it has been classified as a Variant of Uncertain Significance.

Literature cited by the submitters: PubMed 17576681; PubMed 9536098.